The following is an entry in ClinVar:

ClinVar aggregate classification (germline): Uncertain significance (1 of 4 stars; one submission).

Conditions:
Pitt-Hopkins-like syndrome 2 (PTHSL2). Identifiers: Orphanet 221150, Orphanet 600663, MedGen C3280479, MONDO:0013690, OMIM 614325.

Submission:

Labcorp Genetics (formerly Invitae), Labcorp
Classification: Uncertain significance for Pitt-Hopkins-like syndrome 2. Last evaluated: 2023-04-01. Review status: criteria provided, single submitter. Criteria: Invitae Variant Classification Sherloc (09022015). Collection method: clinical testing. Allele origin: germline.
Comment: This sequence change replaces arginine, which is basic and polar, with leucine, which is neutral and non-polar, at codon 856 of the NRXN1 protein (p.Arg856Leu). This variant is not present in population databases (gnomAD no frequency). This variant has not been reported in the literature in individuals affected with NRXN1-related conditions. An algorithm developed to predict the effect of missense changes on protein structure and function (PolyPhen-2) suggests that this variant is likely to be disruptive. In summary, the available evidence is currently insufficient to determine the role of this variant in disease. Therefore, it has been classified as a Variant of Uncertain Significance.

NM_001330078.2(NRXN1):c.2447G>T (p.Arg816Leu)

Gene: NRXN1 (neurexin 1; minus strand). Cytogenetic location: 2p16.3.
Variant type: single nucleotide variant.
Coding change: c.2447G>T on transcript NM_001330078.2 (MANE Select); coding-DNA position 2447, G replaced by T.
Protein change: p.Arg816Leu; replaces arginine 816 with leucine.
Molecular consequence: missense variant.
Genome position (GRCh38, 1-based): chr2:50,506,545, C>A on the plus strand (G>T on the coding strand, the complement: NRXN1 is on the minus strand). VCF-style: chr2-50506545-C-A. GRCh37 (hg19) VCF-style: chr2-50733683-C-A.
Other names: c.2567G>T, p.Arg856Leu (NM_001135659.3); c.2423G>T, p.Arg808Leu (NM_001330077.2, NM_001330082.2); c.2381G>T, p.Arg794Leu (NM_001330083.2, NM_001330084.2); c.2420G>T, p.Arg807Leu (NM_001330085.2); c.2447G>T, p.Arg816Leu (NM_001330086.2, NM_004801.6); c.2336G>T, p.Arg779Leu (NM_001330087.2, NM_001330096.2); c.2366G>T, p.Arg789Leu (NM_001330088.2); c.2444G>T, p.Arg815Leu (NM_001330093.2); and 2 more; short protein forms R815L, R789L, R794L, R812L, R856L, R779L, R808L, R816L.
Identifiers: ClinVar variation 2851450 (VCV002851450.3), dbSNP rs2469000510, ClinGen allele CA346777927.